The following is an entry in ClinVar:

ClinVar aggregate classification (germline): Uncertain significance. Review status: criteria provided, multiple submitters, no conflicts (2 of 4 stars). 3 submissions from 3 submitters: Uncertain significance (3). Last evaluated 2025-12-03.

Conditions:
Left ventricular noncompaction 8 (LVNC8). Identifiers: Orphanet 154, Orphanet 54260, MedGen C3809288, MONDO:0014152, OMIM 615373.

Allele frequency attached by ClinVar (database versions not stated): 1000 Genomes Project below 0.00001; ExAC 0.00001; gnomAD exomes 0.00001 and 0.00002; TOPMed 0.00003; gnomAD 0.00004.
gnomAD v4.1: 35 of 1,613,616 alleles (0.0022%); highest among the groups gnomAD compares: African/African-American, 0.0093%; no homozygotes.

Submissions (3):

Labcorp Genetics (formerly Invitae), Labcorp
Classification: Uncertain significance for Left ventricular noncompaction 8. Last evaluated: 2025-12-03. Review status: criteria provided, single submitter. Criteria: Invitae Variant Classification Sherloc (09022015). Collection method: clinical testing. Allele origin: germline.
Comment: This sequence change replaces glutamic acid, which is acidic and polar, with lysine, which is basic and polar, at codon 1033 of the PRDM16 protein (p.Glu1033Lys). This variant is present in population databases (rs554867627, gnomAD 0.01%). This variant has not been reported in the literature in individuals affected with PRDM16-related conditions. ClinVar contains an entry for this variant (Variation ID: 644110). An algorithm developed to predict the effect of missense changes on protein structure and function (PolyPhen-2) suggests that this variant is likely to be tolerated. In summary, the available evidence is currently insufficient to determine the role of this variant in disease. Therefore, it has been classified as a Variant of Uncertain Significance.

Blueprint Genetics
Classification: Uncertain significance. Last evaluated: 2024-07-05. Review status: criteria provided, single submitter. Criteria: ACMG Guidelines, 2015. Collection method: clinical testing. Allele origin: germline.

New York Genome Center
Classification: Uncertain significance for Left ventricular noncompaction 8. Last evaluated: 2021-06-23. Review status: criteria provided, single submitter. Criteria: NYGC Assertion Criteria 2020. Collection method: clinical testing. Allele origin: germline. Observed: 1 heterozygote. Study: CSER-NYCKidSeq.

NM_022114.4(PRDM16):c.3097G>A (p.Glu1033Lys)

Gene: PRDM16 (PR/SET domain 16; plus strand). Cytogenetic location: 1p36.32.
Variant type: single nucleotide variant.
Coding change: c.3097G>A on transcript NM_022114.4 (MANE Select); coding-DNA position 3097, G replaced by A.
Protein change: p.Glu1033Lys; replaces glutamic acid 1033 with lysine.
Molecular consequence: missense variant.
Genome position (GRCh38, 1-based): chr1:3,425,738, G>A. VCF-style: chr1-3425738-G-A. GRCh37 (hg19) VCF-style: chr1-3342302-G-A.
Other names: c.3097G>A, p.Glu1033Lys (NM_199454.3); short protein forms E1033K.
Identifiers: ClinVar variation 644110 (VCV000644110.10), dbSNP rs554867627, ClinGen allele CA544703.